The following is an entry in ClinVar:

NM_004168.4(SDHA):c.699del (p.Val234fs)

Gene: SDHA (succinate dehydrogenase complex flavoprotein subunit A; plus strand). Cytogenetic location: 5p15.33.
Variant type: Deletion.
Coding change: c.699del on transcript NM_004168.4 (MANE Select); coding-DNA position 699, one base deleted (T; older notation c.699delT).
Protein change: p.Val234fs; shifts the reading frame from valine 234.
Molecular consequence: frameshift variant.
Genome position (GRCh38, 1-based): chr5:228,262, T deleted. VCF-style (leftmost placement, unchanged base first): chr5-228261-GT-G. GRCh37 (hg19) VCF-style: chr5-228376-GT-G.
Other names: c.555del, p.Val186fs (NM_001294332.2); c.699del, p.Val234fs (NM_001330758.2); c.699delT (NM_004168.2); short protein forms V186fs, V234fs.
Identifiers: ClinVar variation 965678 (VCV000965678.9), dbSNP rs1175771583, ClinGen allele CA808910169.

ClinVar aggregate classification (germline): Pathogenic. Review status: criteria provided, multiple submitters, no conflicts (2 of 4 stars). 2 submissions from 2 submitters: Pathogenic (2). Last evaluated 2025-07-29.

Conditions:
Mitochondrial complex II deficiency, nuclear type 1. Also called: SUCCINATE CoQ REDUCTASE DEFICIENCY. Identifiers: Orphanet 3208, MedGen C5700310, MONDO:0100294, OMIM 252011.
Pheochromocytoma/paraganglioma syndrome 5. Also called: Paragangliomas 5; SDHA-Related Hereditary Paraganglioma-Pheochromocytoma Syndrome. Identifiers: Orphanet 29072, MedGen C3279992, MONDO:0013602, OMIM 614165.
Hereditary cancer-predisposing syndrome. Also called: Hereditary Cancer Syndrome; Neoplastic Syndromes, Hereditary; Tumor predisposition; Hereditary neoplastic syndrome. Identifiers: Orphanet 140162, MedGen C0027672, MeSH D009386, MONDO:0015356.

Allele frequency attached by ClinVar (database versions not stated): TOPMed below 0.00001.

Submissions (2):

Ambry Genetics
Classification: Pathogenic for Hereditary cancer-predisposing syndrome. Last evaluated: 2025-07-29. Review status: criteria provided, single submitter. Criteria: Ambry Variant Classification Scheme 2023. Collection method: clinical testing. Allele origin: germline.
Comment: The c.699delT pathogenic mutation, located in coding exon 6 of the SDHA gene, results from a deletion of one nucleotide at nucleotide position 699, causing a translational frameshift with a predicted alternate stop codon (p.V234Sfs*6). This variant is considered to be rare based on population cohorts in the Genome Aggregation Database (gnomAD). This alteration is expected to result in loss of function by premature protein truncation or nonsense-mediated mRNA decay. As such, this alteration is interpreted as a disease-causing mutation.

Labcorp Genetics (formerly Invitae), Labcorp
Classification: Pathogenic for Pheochromocytoma/paraganglioma syndrome 5; Mitochondrial complex II deficiency, nuclear type 1. Last evaluated: 2024-04-22. Review status: criteria provided, single submitter. Criteria: Invitae Variant Classification Sherloc (09022015). Collection method: clinical testing. Allele origin: germline.
Comment: This sequence change creates a premature translational stop signal (p.Val234Serfs*6) in the SDHA gene. It is expected to result in an absent or disrupted protein product. Loss-of-function variants in SDHA are known to be pathogenic (PMID: 22974104, 24781757). This variant is not present in population databases (gnomAD no frequency). This variant has not been reported in the literature in individuals affected with SDHA-related conditions. ClinVar contains an entry for this variant (Variation ID: 965678). For these reasons, this variant has been classified as Pathogenic.

Literature cited by the submitters: PubMed 22974104 (cited by Labcorp Genetics (formerly Invitae), Labcorp); PubMed 24781757 (cited by Labcorp Genetics (formerly Invitae), Labcorp).